The following is an entry in ClinVar:

NM_001384732.1(CPLANE1):c.7322G>A (p.Gly2441Asp)

Gene: CPLANE1 (ciliogenesis and planar polarity effector complex subunit 1; minus strand). Cytogenetic location: 5p13.2.
Variant type: single nucleotide variant.
Coding change: c.7322G>A on transcript NM_001384732.1 (MANE Select); coding-DNA position 7322, G replaced by A.
Protein change: p.Gly2441Asp; replaces glycine 2441 with aspartic acid.
Molecular consequence: missense variant.
Genome position (GRCh38, 1-based): chr5:37,167,125, C>T on the plus strand (G>A on the coding strand, the complement: CPLANE1 is on the minus strand). VCF-style: chr5-37167125-C-T. GRCh37 (hg19) VCF-style: chr5-37167227-C-T.
Other names: c.7322G>A, p.Gly2441Asp (NM_023073.4); short protein forms G2441D.
Identifiers: ClinVar variation 1959185 (VCV001959185.3), dbSNP rs757372574, ClinGen allele CA3238091.
Genomic context (GRCh38, chr5:37,167,125, plus strand): 5'-CCTTGTCTTACTTCAGGTGGTTCTATTTTGACCTTTAGAAGTTGAAGGTGTCCAGCATCA[C>T]CTTGTTCAAATAAATTATGTGTTAGTTTCTGTTGGCTTTGTTTAAACGCAATGAGGTTTT-3'
Protein context (NP_001371661.1, residues 2431-2451): QKLTHNLFEQ[Gly2441Asp]DAGHLQLLKV

ClinVar aggregate classification (germline): Uncertain significance (1 of 4 stars; one submission).

Allele frequency attached by ClinVar (database versions not stated): ExAC 0.00001; gnomAD exomes 0.00001.
gnomAD v4.1: 7 of 1,613,290 alleles (0.00043%); highest among the groups gnomAD compares: East Asian, 0.016%; no homozygotes.

Submission:

Labcorp Genetics (formerly Invitae), Labcorp
Classification: Uncertain significance. Last evaluated: 2021-12-18. Review status: criteria provided, single submitter. Criteria: Invitae Variant Classification Sherloc (09022015). Collection method: clinical testing. Allele origin: germline.
Comment: Advanced modeling of protein sequence and biophysical properties (such as structural, functional, and spatial information, amino acid conservation, physicochemical variation, residue mobility, and thermodynamic stability) performed at Invitae indicates that this missense variant is not expected to disrupt CPLANE1 protein function. In summary, the available evidence is currently insufficient to determine the role of this variant in disease. Therefore, it has been classified as a Variant of Uncertain Significance. This variant has not been reported in the literature in individuals affected with CPLANE1-related conditions. This variant is present in population databases (rs757372574, gnomAD 0.006%). This sequence change replaces glycine, which is neutral and non-polar, with aspartic acid, which is acidic and polar, at codon 2441 of the CPLANE1 protein (p.Gly2441Asp).